The following is an entry in ClinVar:

NM_001367721.1(CASK):c.2451_2458dup (p.Leu820fs)

Gene: CASK (calcium/calmodulin dependent serine protein kinase; minus strand). Cytogenetic location: Xp11.4.
Variant type: Duplication.
Coding change: c.2451_2458dup on transcript NM_001367721.1 (MANE Select); coding-DNA positions 2451 to 2458, 8 bases duplicated (GACAAAAC; older notation c.2451_2458dupGACAAAAC).
Protein change: p.Leu820fs; shifts the reading frame from leucine 820.
Molecular consequence: frameshift variant.
Genome position (GRCh38, 1-based): chrX:41,531,069-41,531,076, GTTTTGTC duplicated on the plus strand (GACAAAAC on the coding strand, the reverse complement: CASK is on the minus strand). VCF-style (leftmost placement, unchanged base first): chrX-41531068-A-AGTTTTGTC. GRCh37 (hg19) VCF-style: chrX-41390321-A-AGTTTTGTC.
Other names: c.2367_2374dup, p.Leu792fs (NM_001126054.3); c.2364_2371dup, p.Leu791fs (NM_001126055.3); c.2433_2440dup, p.Leu814fs (NM_001410745.1); c.2436_2443dup, p.Leu815fs (NM_003688.4); short protein forms L815fs, L820fs, L814fs, L791fs, L792fs.
Identifiers: ClinVar variation 4728952 (VCV004728952.1).

ClinVar aggregate classification (germline): Pathogenic (1 of 4 stars; one submission).

Conditions:
Intellectual disability, CASK-related, X-linked. Identifiers: MedGen CN043158.

Submission:

Labcorp Genetics (formerly Invitae), Labcorp
Classification: Pathogenic for Intellectual disability, CASK-related, X-linked. Last evaluated: 2025-10-17. Review status: criteria provided, single submitter. Criteria: Invitae Variant Classification Sherloc (09022015). Collection method: clinical testing. Allele origin: germline.
Comment: This sequence change creates a premature translational stop signal (p.Leu815Argfs*15) in the CASK gene. It is expected to result in an absent or disrupted protein product. Loss-of-function variants in CASK are known to be pathogenic (PMID: 19165920, 20029458, 21954287, 22452838, 22709267). This variant is not present in population databases (gnomAD no frequency). This variant has not been reported in the literature in individuals affected with CASK-related conditions. For these reasons, this variant has been classified as Pathogenic.

Literature cited by the submitters: PubMed 19165920; PubMed 20029458; PubMed 21954287; PubMed 22452838; PubMed 22709267.